The following is an entry in ClinVar:

ClinVar aggregate classification (germline): Uncertain significance (1 of 4 stars; one submission).

Submission:

GeneDx
Classification: Uncertain significance. Last evaluated: 2023-02-14. Review status: criteria provided, single submitter. Criteria: GeneDx Variant Classification Process June 2021. Collection method: clinical testing. Allele origin: germline. Affected: yes.
Comment: Not observed at significant frequency in large population cohorts (gnomAD); In silico analysis supports that this missense variant has a deleterious effect on protein structure/function; Has not been previously published as pathogenic or benign to our knowledge

NM_006940.6(SOX5):c.1797C>G (p.Asn599Lys)

Gene: SOX5 (SRY-box transcription factor 5; minus strand). Cytogenetic location: 12p12.1.
Variant type: single nucleotide variant.
Coding change: c.1797C>G on transcript NM_006940.6 (MANE Select); coding-DNA position 1797, C replaced by G.
Protein change: p.Asn599Lys; replaces asparagine 599 with lysine.
Molecular consequence: missense variant.
Genome position (GRCh38, 1-based): chr12:23,536,644, G>C on the plus strand (C>G on the coding strand, the complement: SOX5 is on the minus strand). VCF-style: chr12-23536644-G-C. GRCh37 (hg19) VCF-style: chr12-23689578-G-C.
Other names: c.1434C>G, p.Asn478Lys (NM_001261414.3); c.1767C>G, p.Asn589Lys (NM_001261415.3); c.1692C>G, p.Asn564Lys (NM_001330785.2); c.1758C>G, p.Asn586Lys (NM_152989.5); c.639C>G, p.Asn213Lys (NM_178010.4); short protein forms N213K, N478K, N564K, N586K, N589K, N599K.
Identifiers: ClinVar variation 2575865 (VCV002575865.1), dbSNP rs2547741754, ClinGen allele CA384319601.
Genomic context (GRCh38, chr12:23,536,644, plus strand): 5'-CTTCTCCAGGTGCTGCTTGCTGAGACGGGCTTGCTCCTCATAATATGGCTGTTTCTCTAG[G>C]TTTGTCATAGCTTTCCAGCGAGATCCTATGAAGAAAGGAGGTTAGGATTCCAATTTGCAC-3'
Protein context (NP_008871.3, residues 589-609): ILGSRWKAMT[Asn599Lys]LEKQPYYEEQ